The following is an entry in ClinVar:

ClinVar aggregate classification (germline): Likely benign. Review status: criteria provided, multiple submitters, no conflicts (2 of 4 stars). 4 submissions from 4 submitters: Likely benign (3). 1 of the submissions does not count toward it. Last evaluated 2025-12-11.

Conditions:
Bardet-Biedl syndrome (BBS). Identifiers: Orphanet 110, MedGen C0752166, MONDO:0015229.
Bardet-Biedl syndrome 1 (BBS1). Identifiers: MedGen C2936862, MONDO:0008854, OMIM 209900. Disease mechanism: loss of function.
BBS1-related disorder. Also called: BBS1-related condition.

Allele frequency attached by ClinVar (database versions not stated): ExAC 0.00003; ESP Exome Variant Server 0.00015; gnomAD exomes 0.00001 and 0.00002; gnomAD 0.00003; TOPMed 0.00003.
gnomAD v4.1: 30 of 1,614,058 alleles (0.0019%); highest among the groups gnomAD compares: East Asian, 0.0067%; no homozygotes.

Submissions (4):

Labcorp Genetics (formerly Invitae), Labcorp
Classification: Likely benign for Bardet-Biedl syndrome. Last evaluated: 2025-12-11. Review status: criteria provided, single submitter. Criteria: Invitae Variant Classification Sherloc (09022015). Collection method: clinical testing. Allele origin: germline.

Blueprint Genetics
Classification: Likely benign. Last evaluated: 2024-05-30. Review status: criteria provided, single submitter. Criteria: ACMG Guidelines, 2015. Collection method: clinical testing. Allele origin: germline.

Fulgent Genetics
Classification: Likely benign for Bardet-Biedl syndrome 1. Last evaluated: 2022-05-26. Review status: criteria provided, single submitter. Criteria: ACMG Guidelines, 2015. Collection method: clinical testing. Allele origin: unknown.

PreventionGenetics, part of Exact Sciences
Classification: Likely benign for BBS1-related condition. Last evaluated: 2019-03-26. Review status: no assertion criteria provided. Collection method: clinical testing. Allele origin: germline. Not counted in ClinVar's aggregate classification.
Comment: This variant is classified as likely benign based on ACMG/AMP sequence variant interpretation guidelines (Richards et al. 2015 PMID: 25741868, with internal and published modifications).

NM_024649.5(BBS1):c.1485T>C (p.Leu495=)

Genes: ZDHHC24 (zDHHC palmitoyltransferase 24; minus strand), BBS1 (Bardet-Biedl syndrome 1; plus strand). Cytogenetic location: 11q13.2.
Variant type: single nucleotide variant.
Coding change: c.1485T>C on transcript NM_024649.5 (MANE Select); coding-DNA position 1485, T replaced by C.
Protein change: p.Leu495=; no amino-acid change (leucine 495 retained).
Molecular consequence: synonymous variant. On other transcripts: intron variant (1).
Genome position (GRCh38, 1-based): chr11:66,530,905, T>C. VCF-style: chr11-66530905-T-C. GRCh37 (hg19) VCF-style: chr11-66298376-T-C.
Other names: c.560-1417A>G (NM_001348571.2).
Identifiers: ClinVar variation 700439 (VCV000700439.14), dbSNP rs373894194, ClinGen allele CA6123798.